The following is an entry in ClinVar:

ClinVar aggregate classification (germline): Uncertain significance. Review status: criteria provided, multiple submitters, no conflicts (2 of 4 stars). 3 submissions from 3 submitters: Uncertain significance (3). Last evaluated 2025-01-30.

Conditions:
Retinitis pigmentosa 55 (RP55). Identifiers: Orphanet 791, MedGen C3150808, MONDO:0013312, OMIM 613575.
Bardet-Biedl syndrome 3 (BBS3). Identifiers: Orphanet 110, MedGen C1859564, MONDO:0010832, OMIM 600151.
Bardet-Biedl syndrome 1 (BBS1). Identifiers: MedGen C2936862, MONDO:0008854, OMIM 209900. Disease mechanism: loss of function.
ARL6-related disorder. Also called: ARL6-related condition.

Allele frequency attached by ClinVar (database versions not stated): gnomAD exomes below 0.00001; TOPMed below 0.00001; gnomAD 0.00001.
gnomAD v4.1: 5 of 1,613,150 alleles (0.00031%); highest among the groups gnomAD compares: Non-Finnish European, 0.00042%; no homozygotes.

Submissions (3):

PreventionGenetics, part of Exact Sciences
Classification: Uncertain significance for ARL6-related condition. Last evaluated: 2025-01-30. Review status: criteria provided, single submitter. Criteria: ACMG Guidelines, 2015. Collection method: clinical testing. Allele origin: germline.
Comment: The ARL6 c.418T>C variant is predicted to result in the amino acid substitution p.Ser140Pro. To our knowledge, this variant has not been reported in the literature. This variant is reported in 0.00089% of alleles in individuals of European (Non-Finnish) descent in gnomAD. At this time, the clinical significance of this variant is uncertain due to the absence of conclusive functional and genetic evidence.

Fulgent Genetics
Classification: Uncertain significance for Bardet-Biedl syndrome 1; Bardet-Biedl syndrome 3; Retinitis pigmentosa 55. Last evaluated: 2024-04-15. Review status: criteria provided, single submitter. Criteria: ACMG Guidelines, 2015. Collection method: clinical testing. Allele origin: germline.

Labcorp Genetics (formerly Invitae), Labcorp
Classification: Uncertain significance for Retinitis pigmentosa 55; Bardet-Biedl syndrome 3. Last evaluated: 2022-03-10. Review status: criteria provided, single submitter. Criteria: Invitae Variant Classification Sherloc (09022015). Collection method: clinical testing. Allele origin: germline.
Comment: This sequence change replaces serine, which is neutral and polar, with proline, which is neutral and non-polar, at codon 140 of the ARL6 protein (p.Ser140Pro). This variant is present in population databases (no rsID available, gnomAD 0.0009%). This variant has not been reported in the literature in individuals affected with ARL6-related conditions. Algorithms developed to predict the effect of missense changes on protein structure and function are either unavailable or do not agree on the potential impact of this missense change (SIFT: "Deleterious"; PolyPhen-2: "Benign"; Align-GVGD: "Class C0"). In summary, the available evidence is currently insufficient to determine the role of this variant in disease. Therefore, it has been classified as a Variant of Uncertain Significance.

NM_001278293.3(ARL6):c.418T>C (p.Ser140Pro)

Gene: ARL6 (ARF like GTPase 6; plus strand). Cytogenetic location: 3q11.2.
Variant type: single nucleotide variant.
Coding change: c.418T>C on transcript NM_001278293.3 (MANE Select); coding-DNA position 418, T replaced by C.
Protein change: p.Ser140Pro; replaces serine 140 with proline.
Molecular consequence: missense variant. On other transcripts: non-coding transcript variant (7).
Genome position (GRCh38, 1-based): chr3:97,788,058, T>C. VCF-style: chr3-97788058-T-C. GRCh37 (hg19) VCF-style: chr3-97506902-T-C.
Other names: c.418T>C, p.Ser140Pro (NM_001323513.2, NM_001323514.2, NM_032146.5 and 1 more transcripts); short protein forms S140P.
Identifiers: ClinVar variation 1429333 (VCV001429333.5), dbSNP rs1463393274, ClinGen allele CA353588303.